The following is an entry in ClinVar:

ClinVar aggregate classification (germline): Conflicting classifications of pathogenicity. Review status: criteria provided, conflicting classifications (1 of 4 stars). 5 submissions from 4 submitters: Uncertain significance (2); Likely benign (2). 1 of the submissions does not count toward it. Last evaluated 2025-11-17.

Conditions:
Hereditary cancer-predisposing syndrome. Also called: Tumor predisposition; Hereditary Cancer Syndrome; Hereditary neoplastic syndrome; Neoplastic Syndromes, Hereditary. Identifiers: Orphanet 140162, MedGen C0027672, MeSH D009386, MONDO:0015356.
Haddad syndrome (OHD). Also called: Ondine-Hirschsprung disease. Identifiers: Orphanet 99803, MedGen C1859049, MONDO:0020493.
Neuroblastoma, susceptibility to, 2. Identifiers: Orphanet 635, MedGen C2751682, MONDO:0700041, OMIM 613013.
Congenital central hypoventilation. Also called: Congenital Central Hypoventilation Syndrome. Identifiers: Orphanet 661, Orphanet 99803, MedGen C1275808, MONDO:0800031. Disease mechanism: gain of function.
PHOX2B-related disorder. Also called: PHOX2B-related condition.

Allele frequency attached by ClinVar (database versions not stated): gnomAD 0.00008; gnomAD exomes 0.00048; ExAC 0.00078.

Submissions (5):

Labcorp Genetics (formerly Invitae), Labcorp
Classification: Likely benign for Haddad syndrome. Last evaluated: 2025-11-17. Review status: criteria provided, single submitter. Criteria: Invitae Variant Classification Sherloc (09022015). Collection method: clinical testing. Allele origin: germline.

Ambry Genetics
Classification: Likely benign for Hereditary cancer-predisposing syndrome. Last evaluated: 2022-02-12. Review status: criteria provided, single submitter. Criteria: Ambry Variant Classification Scheme 2023. Collection method: clinical testing. Allele origin: germline.

Illumina Laboratory Services, Illumina
Classification: Uncertain significance for Neuroblastoma, susceptibility to, 2. Last evaluated: 2018-01-13. Review status: criteria provided, single submitter. Criteria: ICSL Variant Classification Criteria 13 December 2019. Collection method: clinical testing. Allele origin: germline.

Illumina Laboratory Services, Illumina
Classification: Uncertain significance for Central hypoventilation syndrome, congenital, 1, with or without Hirschsprung disease. Last evaluated: 2018-01-13. Review status: criteria provided, single submitter. Criteria: ICSL Variant Classification Criteria 13 December 2019. Collection method: clinical testing. Allele origin: germline.

PreventionGenetics, part of Exact Sciences
Classification: Likely benign for PHOX2B-related condition. Last evaluated: 2024-07-17. Review status: no assertion criteria provided. Collection method: clinical testing. Allele origin: germline. Not counted in ClinVar's aggregate classification.
Comment: This variant is classified as likely benign based on ACMG/AMP sequence variant interpretation guidelines (Richards et al. 2015 PMID: 25741868, with internal and published modifications).

NM_003924.4(PHOX2B):c.729A>G (p.Ala243=)

Genes: PHOX2B (paired like homeobox 2B; minus strand), LOC110011216 (paired like homeobox 2b polyalanine repeat instability region; plus strand). Cytogenetic location: 4p13.
Variant type: single nucleotide variant.
Coding change: c.729A>G on transcript NM_003924.4 (MANE Select); coding-DNA position 729, A replaced by G.
Protein change: p.Ala243=; no amino-acid change (alanine 243 retained).
Molecular consequence: synonymous variant.
Genome position (GRCh38, 1-based): chr4:41,746,023, T>C on the plus strand (A>G on the coding strand, the complement: PHOX2B is on the minus strand). VCF-style: chr4-41746023-T-C. GRCh37 (hg19) VCF-style: chr4-41748040-T-C.
Identifiers: ClinVar variation 348810 (VCV000348810.18), dbSNP rs751829128, ClinGen allele CA2901451.
Genomic context (GRCh38, chr4:41,746,023, plus strand): 5'-CAGGCCTCCAGCTGCCGCCGCTGCCGCTGCCGCCGCCGCCGCTGCCGCGGCCGCCGCCGC[T>C]GCTGCTGCGCCGCCCTTGCCGGGTTCGCCTCCCGGGCCCCCGGGCCCCGCCGCCCCCGGA-3'
Protein context (NP_003915.2, residues 233-253): GGEPGKGGAA[Ala243=]AAAAAAAAAA